The following is an entry in ClinVar:

ClinVar aggregate classification (germline): Likely benign (1 of 4 stars; one submission).

Conditions:
Progressive myoclonic epilepsy. Also called: Familial progressive myoclonic epilepsy; Myoclonus epilepsy; Progressive myoclonus epilepsy; Myoclonic Epilepsies, Progressive. Identifiers: Orphanet 308, Orphanet 98261, MedGen C0751778, MONDO:0020074.

Allele frequency attached by ClinVar (database versions not stated): gnomAD 0.00204; TOPMed 0.00248; 1000 Genomes Project 30x 0.00359; 1000 Genomes Project 0.00399.

Submission:

Illumina Laboratory Services, Illumina
Classification: Likely benign for Progressive myoclonic epilepsy. Last evaluated: 2018-01-12. Review status: criteria provided, single submitter. Criteria: ICSL Variant Classification Criteria 13 December 2019. Collection method: clinical testing. Allele origin: germline.
Comment: This variant was observed in the ICSL laboratory as part of a predisposition screen in an ostensibly healthy population. It had not been previously curated by ICSL or reported in the Human Gene Mutation Database (HGMD: prior to June 1st, 2018), and was therefore a candidate for classification through an automated scoring system. Utilizing variant allele frequency, disease prevalence and penetrance estimates, and inheritance mode, an automated score was calculated to assess if this variant is too frequent to cause the disease. Based on the score and internal cut-off values, a variant classified as likely benign is not then subjected to further curation. The score for this variant resulted in a classification of likely benign for this disease.

NM_198859.4(PRICKLE2):c.*4057G>A

Genes: PRICKLE2 (prickle planar cell polarity protein 2; minus strand), PRICKLE2-AS1 (PRICKLE2 antisense RNA 1; plus strand). Cytogenetic location: 3p14.1.
Variant type: single nucleotide variant.
Coding change: c.*4057G>A on transcript NM_198859.4 (MANE Select); 4057 bases downstream of the stop codon, G replaced by A.
Molecular consequence: 3 prime UTR variant.
Genome position (GRCh38, 1-based): chr3:64,094,994, C>T on the plus strand (G>A on the coding strand, the complement: PRICKLE2 is on the minus strand). VCF-style: chr3-64094994-C-T. GRCh37 (hg19) VCF-style: chr3-64080670-C-T.
Other names: c.*4057G>A (NM_001370528.1).
Identifiers: ClinVar variation 346425 (VCV000346425.5), dbSNP rs140931283, ClinGen allele CA10619354.
Genomic context (GRCh38, chr3:64,094,994, plus strand): 5'-CTGTCCTGGCATGAAGTATTCAGATAACTGGTTCAGTTTTCCACTTTCCTTTGTCATGGA[C>T]GGATCTTCCTTCTTAGGCTTAAGCATCTGTTTTCTGCTAGAAATACACAAAGAACACTTC-3'